The following is an entry in ClinVar:

ClinVar aggregate classification (germline): Uncertain significance (1 of 4 stars; one submission).

Conditions:
Inborn genetic diseases. Identifiers: MedGen C0950123, MeSH D030342.

Submission:

Ambry Genetics
Classification: Uncertain significance for Inborn genetic diseases. Last evaluated: 2025-10-22. Review status: criteria provided, single submitter. Criteria: Ambry Variant Classification Scheme 2023. Collection method: clinical testing. Allele origin: germline.
Comment: The c.1686+2T>C intronic alteration consists of a T to C substitution two nucleotide after exon 19 (coding exon 18) of the OPHN1 gene. Alterations that disrupt the canonical splice site are expected to cause aberrant splicing, resulting in an abnormal protein or a transcript that is subject to nonsense-mediated mRNA decay; however, +2T>C alterations are capable of generating wild-type transcripts in some genomic contexts and should be interpreted with caution (Lin, 2019). This variant was not reported in population-based cohorts in the Genome Aggregation Database (gnomAD). This nucleotide position is highly conserved in available vertebrate species. In silico splice site analysis predicts that this alteration may weaken the native splice donor site. Based on insufficient or conflicting evidence, the clinical significance of this alteration remains unclear.

Literature cited by the submitters: PubMed 31131953.

NM_002547.3(OPHN1):c.1686+2T>C

Gene: OPHN1 (oligophrenin 1; minus strand). Cytogenetic location: Xq12.
Variant type: single nucleotide variant.
Coding change: c.1686+2T>C on transcript NM_002547.3 (MANE Select); the canonical splice donor site of the intron after coding-DNA position 1686, T replaced by C.
Molecular consequence: splice donor variant.
Genome position (GRCh38, 1-based): chrX:68,096,868, A>G on the plus strand (T>C on the coding strand, the complement: OPHN1 is on the minus strand). VCF-style: chrX-68096868-A-G. GRCh37 (hg19) VCF-style: chrX-67316710-A-G.
Other names: c.1686+2T>C (NM_001437258.1).
Identifiers: ClinVar variation 4626677 (VCV004626677.1).
Genomic context (GRCh38, chrX:68,096,868, plus strand): 5'-AGGCAGTTGGGGGAAAGTGTCACATGTTTGGAAGACAGGTAGTGAGAATAGAAAATGCAT[A>G]CCTTGCCAAAGTGCTCGATTAGTATTTCCACCACTATGTTCTGGAATTTGATGTTCATCA-3'